The following is an entry in ClinVar:

NM_173628.4(DNAH17):c.4798G>A (p.Val1600Met)

Gene: DNAH17 (dynein axonemal heavy chain 17; minus strand). Cytogenetic location: 17q25.3.
Variant type: single nucleotide variant.
Coding change: c.4798G>A on transcript NM_173628.4 (MANE Select); coding-DNA position 4798, G replaced by A.
Protein change: p.Val1600Met; replaces valine 1600 with methionine.
Molecular consequence: missense variant.
Genome position (GRCh38, 1-based): chr17:78,506,725, C>T on the plus strand (G>A on the coding strand, the complement: DNAH17 is on the minus strand). VCF-style: chr17-78506725-C-T. GRCh37 (hg19) VCF-style: chr17-76502807-C-T.
Other names: short protein forms V1600M.
Identifiers: ClinVar variation 712398 (VCV000712398.30), dbSNP rs76449350, ClinGen allele CA8803607.
Genomic context (GRCh38, chr17:78,506,725, plus strand): 5'-CTGGGGTCTGGCATGATGTTGGCTTAAACACCGGAATGCAAGGGGCCCCGCCTACCTCCA[C>T]GGGGTCATTGCCATTGGAGAGAATGTCCAGGAGGTCAGCCGAGGAGACAAAATAGAACCG-3'
Protein context (NP_775899.3, residues 1590-1610): LDILSNGNDP[Val1600Met]EVSRHLSKLF

ClinVar aggregate classification (germline): Conflicting classifications of pathogenicity. Review status: criteria provided, conflicting classifications (1 of 4 stars). 4 submissions from 4 submitters: Uncertain significance (1); Likely benign (3). Last evaluated 2024-12-01.

Conditions:
DNAH17-related disorder. Also called: DNAH17-related condition.
Inborn genetic diseases. Identifiers: MedGen C0950123, MeSH D030342.

Allele frequency attached by ClinVar (database versions not stated): 1000 Genomes Project 30x 0.00141; TOPMed 0.00155; 1000 Genomes Project 0.00160; ESP Exome Variant Server 0.00173.
gnomAD v4.1: 3,958 of 1,613,924 alleles (0.25%); highest among the groups gnomAD compares: Non-Finnish European, 0.28%; 11 homozygotes.

Submissions (4):

CeGaT Center for Human Genetics Tuebingen
Classification: Likely benign. Last evaluated: 2024-12-01. Review status: criteria provided, single submitter. Criteria: CeGaT Center For Human Genetics Tuebingen Variant Classification Criteria Version 2. Collection method: clinical testing. Allele origin: germline. Affected: yes. Observed: 2 variant alleles.
Comment: DNAH17: BS2

PreventionGenetics, part of Exact Sciences
Classification: Likely benign for DNAH17-related condition. Last evaluated: 2024-10-31. Review status: criteria provided, single submitter. Criteria: ACMG Guidelines, 2015. Collection method: clinical testing. Allele origin: germline.
Comment: This variant is classified as likely benign based on ACMG/AMP sequence variant interpretation guidelines (Richards et al. 2015 PMID: 25741868, with internal and published modifications).

Ambry Genetics
Classification: Uncertain significance for Inborn genetic diseases. Last evaluated: 2021-06-11. Review status: criteria provided, single submitter. Criteria: Ambry Variant Classification Scheme 2023. Collection method: clinical testing. Allele origin: germline.

Labcorp Genetics (formerly Invitae), Labcorp
Classification: Likely benign. Last evaluated: 2017-10-25. Review status: criteria provided, single submitter. Criteria: Invitae Variant Classification Sherloc (09022015). Collection method: clinical testing. Allele origin: germline.